The following is an entry in ClinVar:

ClinVar aggregate classification (germline): Uncertain significance (1 of 4 stars; one submission).

Conditions:
Inborn genetic diseases. Identifiers: MedGen C0950123, MeSH D030342.

Submission:

Ambry Genetics
Classification: Uncertain significance for Inborn genetic diseases. Last evaluated: 2025-05-09. Review status: criteria provided, single submitter. Criteria: Ambry Variant Classification Scheme 2023. Collection method: clinical testing. Allele origin: germline.
Comment: The p.T1085S variant (also known as c.3254C>G), located in coding exon 13 of the ASXL1 gene, results from a C to G substitution at nucleotide position 3254. The threonine at codon 1085 is replaced by serine, an amino acid with similar properties. This amino acid position is conserved. In addition, this alteration is predicted to be tolerated by in silico analysis. Based on the available evidence, the clinical significance of this variant remains unclear.

NM_015338.6(ASXL1):c.3254C>G (p.Thr1085Ser)

Gene: ASXL1 (ASXL transcriptional regulator 1; plus strand). Cytogenetic location: 20q11.21.
Variant type: single nucleotide variant.
Coding change: c.3254C>G on transcript NM_015338.6 (MANE Select); coding-DNA position 3254, C replaced by G.
Protein change: p.Thr1085Ser; replaces threonine 1085 with serine.
Molecular consequence: missense variant.
Genome position (GRCh38, 1-based): chr20:32,435,966, C>G. VCF-style: chr20-32435966-C-G. GRCh37 (hg19) VCF-style: chr20-31023769-C-G.
Other names: c.3071C>G, p.Thr1024Ser (NM_001363734.1); short protein forms T1085S, T1024S.
Identifiers: ClinVar variation 3956796 (VCV003956796.1).